The following is an entry in ClinVar:

ClinVar aggregate classification (germline): Benign/Likely benign. Review status: criteria provided, multiple submitters, no conflicts (2 of 4 stars). 3 submissions from 3 submitters: Benign (1); Likely benign (2). Last evaluated 2026-01-25.

Allele frequency attached by ClinVar (database versions not stated): gnomAD exomes 0.00011 and 0.00023; ExAC 0.00068; gnomAD 0.00120 and 0.00127; TOPMed 0.00122; 1000 Genomes Project 0.00140; ESP Exome Variant Server 0.00156; 1000 Genomes Project 30x 0.00187.
gnomAD v4.1: 343 of 1,559,868 alleles (0.022%); highest among the groups gnomAD compares: African/African-American, 0.43%; 2 homozygotes.

Submissions (3):

Labcorp Genetics (formerly Invitae), Labcorp
Classification: Benign. Last evaluated: 2026-01-25. Review status: criteria provided, single submitter. Criteria: Invitae Variant Classification Sherloc (09022015). Collection method: clinical testing. Allele origin: germline.

Blueprint Genetics
Classification: Likely benign. Last evaluated: 2024-10-15. Review status: criteria provided, single submitter. Criteria: ACMG Guidelines, 2015. Collection method: clinical testing. Allele origin: germline.

GeneDx
Classification: Likely benign. Last evaluated: 2016-10-13. Review status: criteria provided, single submitter. Criteria: GeneDx Variant Classification (06012015). Collection method: clinical testing. Allele origin: germline. Affected: yes.
Comment: This variant is considered likely benign or benign based on one or more of the following criteria: it is a conservative change, it occurs at a poorly conserved position in the protein, it is predicted to be benign by multiple in silico algorithms, and/or has population frequency not consistent with disease.

NM_003477.3(PDHX):c.160+12G>C

Genes: PDHX (pyruvate dehydrogenase complex component X; plus strand), LOC130005549 (ATAC-STARR-seq lymphoblastoid active region 4608; plus strand). Cytogenetic location: 11p13.
Variant type: single nucleotide variant.
Coding change: c.160+12G>C on transcript NM_003477.3 (MANE Select); 12 bases into the intron after coding-DNA position 160, G replaced by C.
Molecular consequence: intron variant.
Genome position (GRCh38, 1-based): chr11:34,916,827, G>C. VCF-style: chr11-34916827-G-C. GRCh37 (hg19) VCF-style: chr11-34938374-G-C.
Other names: c.-21+341G>C (NM_001135024.2); c.160+12G>C (NM_001166158.2).
Identifiers: ClinVar variation 379681 (VCV000379681.10), dbSNP rs375574196, ClinGen allele CA5945744.